The following is an entry in ClinVar:

NM_152490.5(B3GALNT2):c.1307A>G (p.Tyr436Cys)

Gene: B3GALNT2 (beta-1,3-N-acetylgalactosaminyltransferase 2; minus strand). Cytogenetic location: 1q42.3.
Variant type: single nucleotide variant.
Coding change: c.1307A>G on transcript NM_152490.5 (MANE Select); coding-DNA position 1307, A replaced by G.
Protein change: p.Tyr436Cys; replaces tyrosine 436 with cysteine.
Molecular consequence: missense variant.
Genome position (GRCh38, 1-based): chr1:235,454,160, T>C on the plus strand (A>G on the coding strand, the complement: B3GALNT2 is on the minus strand). VCF-style: chr1-235454160-T-C. GRCh37 (hg19) VCF-style: chr1-235617472-T-C.
Other names: short protein forms Y436C.
Identifiers: ClinVar variation 2995857 (VCV002995857.3), dbSNP rs2527148123, ClinGen allele CA344956614.

ClinVar aggregate classification (germline): Uncertain significance (1 of 4 stars; one submission).

Conditions:
Muscular dystrophy-dystroglycanopathy (congenital with brain and eye anomalies), type a, 11 (MDDGA11). Also called: WALKER-WARBURG SYNDROME OR MUSCLE-EYE-BRAIN DISEASE, B3GALNT2-RELATED; Congenital muscular dystrophy-dystroglycanopathy with brain and eye anomalies, type A11; Muscular dystrophy-dystroglycanopathy (congenital with brain and eye anomalies, type A, 11. Identifiers: Orphanet 588, Orphanet 899, MedGen C3554638, MONDO:0014071, OMIM 615181.

Submission:

Labcorp Genetics (formerly Invitae), Labcorp
Classification: Uncertain significance for Muscular dystrophy-dystroglycanopathy (congenital with brain and eye anomalies), type a, 11. Last evaluated: 2023-10-19. Review status: criteria provided, single submitter. Criteria: Invitae Variant Classification Sherloc (09022015). Collection method: clinical testing. Allele origin: germline.
Comment: This sequence change replaces tyrosine, which is neutral and polar, with cysteine, which is neutral and slightly polar, at codon 436 of the B3GALNT2 protein (p.Tyr436Cys). This variant is not present in population databases (gnomAD no frequency). This missense change has been observed in individual(s) with muscle-eye-brain disease (PMID: 33200426). Advanced modeling of protein sequence and biophysical properties (such as structural, functional, and spatial information, amino acid conservation, physicochemical variation, residue mobility, and thermodynamic stability) has been performed at Invitae for this missense variant, however the output from this modeling did not meet the statistical confidence thresholds required to predict the impact of this variant on B3GALNT2 protein function. In summary, the available evidence is currently insufficient to determine the role of this variant in disease. Therefore, it has been classified as a Variant of Uncertain Significance.

Literature cited by the submitters: PubMed 33200426.